The following is an entry in ClinVar:

NM_001079802.2(FKTN):c.910+14G>A

Gene: FKTN (fukutin; plus strand). Cytogenetic location: 9q31.2.
Variant type: single nucleotide variant.
Coding change: c.910+14G>A on transcript NM_001079802.2 (MANE Select); 14 bases into the intron after coding-DNA position 910, G replaced by A.
Molecular consequence: intron variant.
Genome position (GRCh38, 1-based): chr9:105,615,421, G>A. VCF-style: chr9-105615421-G-A. GRCh37 (hg19) VCF-style: chr9-108377702-G-A.
Other names: c.910+14G>A (NM_006731.2, NM_001351496.2, NM_001198963.2 and 1 more transcripts); c.514+14G>A (NM_001351502.2, NM_001351499.2, NM_001351500.2 and 1 more transcripts); c.841+14G>A (NM_001351497.2).
Identifiers: ClinVar variation 93525 (VCV000093525.35), dbSNP rs76180538, ClinGen allele CA285436.

ClinVar aggregate classification (germline): Conflicting classifications of pathogenicity. Review status: criteria provided, conflicting classifications (1 of 4 stars). 12 submissions from 11 submitters: Uncertain significance (1); Benign (5); Likely benign (3). 3 of the submissions do not count toward it. Last evaluated 2026-02-04.

Conditions:
Cardiovascular phenotype. Identifiers: MedGen CN230736.
Walker-Warburg congenital muscular dystrophy. Also called: Muscular dystrophy-dystroglycanopathy, type A; Walker-Warburg syndrome. Identifiers: Orphanet 899, MedGen C0265221, MONDO:0000171.
Muscular dystrophy-dystroglycanopathy (congenital with brain and eye anomalies), type A, 4 (MDDGA4). Also called: Muscular dystrophy, congenital progressive, with mental retardation; Muscular dystrophy, congenital, with central nervous system involvement; WALKER-WARBURG SYNDROME OR MUSCLE-EYE-BRAIN DISEASE, FKTN-RELATED; Walker-Warburg Syndrome, Fktn-Related; Cerebromuscular dystrophy, Fukuyama type; Fukuyama congenital muscular dystrophy. Identifiers: Orphanet 272, Orphanet 588, Orphanet 899, MedGen C0410174, MONDO:0009678, OMIM 253800.
Dilated cardiomyopathy 1X (CMD1X). Also called: CARDIOMYOPATHY, DILATED, WITH MILD OR NO PROXIMAL MUSCLE WEAKNESS; FKTN-Related Dilated Cardiomyopathy. Identifiers: Orphanet 154, MedGen C1969024, MONDO:0012704, OMIM 611615.

Allele frequency attached by ClinVar (database versions not stated): 1000 Genomes Project 0.00499; 1000 Genomes Project 30x 0.00500; gnomAD 0.00806 and 0.00850; TOPMed 0.00825; ESP Exome Variant Server 0.00892; gnomAD exomes 0.01053 and 0.01127; ExAC 0.01183.
gnomAD v4.1: 16,699 of 1,613,382 alleles (1%); highest among the groups gnomAD compares: South Asian, 2.4%; 164 homozygotes.

Submissions (12):

Labcorp Genetics (formerly Invitae), Labcorp
Classification: Benign for Walker-Warburg congenital muscular dystrophy. Last evaluated: 2026-02-04. Review status: criteria provided, single submitter. Criteria: Invitae Variant Classification Sherloc (09022015). Collection method: clinical testing. Allele origin: germline.

ARUP Laboratories, Molecular Genetics and Genomics, ARUP Laboratories
Classification: Benign. Last evaluated: 2025-04-10. Review status: criteria provided, single submitter. Criteria: ARUP Molecular Germline Variant Investigation Process 2024. Collection method: clinical testing. Allele origin: germline.

Illumina Laboratory Services, Illumina
Classification: Likely benign for Muscular dystrophy-dystroglycanopathy (congenital with brain and eye anomalies), type A, 4. Last evaluated: 2018-01-13. Review status: criteria provided, single submitter. Criteria: ICSL Variant Classification Criteria 13 December 2019. Collection method: clinical testing. Allele origin: germline.
Comment: This variant was observed in the ICSL laboratory as part of a predisposition screen in an ostensibly healthy population. It had not been previously curated by ICSL or reported in the Human Gene Mutation Database (HGMD: prior to June 1st, 2018), and was therefore a candidate for classification through an automated scoring system. Utilizing variant allele frequency, disease prevalence and penetrance estimates, and inheritance mode, an automated score was calculated to assess if this variant is too frequent to cause the disease. Based on the score and internal cut-off values, a variant classified as likely benign is not then subjected to further curation. The score for this variant resulted in a classification of likely benign for this disease.

Illumina Laboratory Services, Illumina
Classification: Uncertain significance for Dilated cardiomyopathy 1X. Last evaluated: 2018-01-13. Review status: criteria provided, single submitter. Criteria: ICSL Variant Classification Criteria 13 December 2019. Collection method: clinical testing. Allele origin: germline.

Genetic Services Laboratory, University of Chicago
Classification: Likely benign. Last evaluated: 2016-05-19. Review status: criteria provided, single submitter. Criteria: ACMG Guidelines, 2015. Collection method: clinical testing. Allele origin: germline. Affected: no.

Ambry Genetics
Classification: Likely benign for Cardiovascular phenotype. Last evaluated: 2015-11-16. Review status: criteria provided, single submitter. Criteria: Ambry Variant Classification Scheme 2023. Collection method: clinical testing. Allele origin: germline.

GeneDx
Classification: Benign. Last evaluated: 2013-12-21. Review status: criteria provided, single submitter. Criteria: GeneDx Variant Classification (06012015). Collection method: clinical testing. Allele origin: germline. Affected: yes.
Comment: This variant is considered likely benign or benign based on one or more of the following criteria: it is a conservative change, it occurs at a poorly conserved position in the protein, it is predicted to be benign by multiple in silico algorithms, and/or has population frequency not consistent with disease.

Eurofins Ntd Llc (ga)
Classification: Benign. Last evaluated: 2012-11-29. Review status: criteria provided, single submitter. Criteria: EGL Classification Definitions 2015. Collection method: clinical testing. Allele origin: germline. Observed: 1 variant allele, 1 heterozygote.

PreventionGenetics, part of Exact Sciences
Classification: Benign. Review status: criteria provided, single submitter. Criteria: ACMG Guidelines, 2015. Collection method: clinical testing. Allele origin: germline.

Clinical Genetics DNA and cytogenetics Diagnostics Lab, Erasmus MC, Erasmus Medical Center
Classification: Benign. Review status: no assertion criteria provided. Collection method: clinical testing. Allele origin: germline. Affected: yes. Study: VKGL Data-share Consensus. Not counted in ClinVar's aggregate classification.

Genome Diagnostics Laboratory, University Medical Center Utrecht
Classification: Benign. Review status: no assertion criteria provided. Collection method: clinical testing. Allele origin: germline. Affected: yes. Study: VKGL Data-share Consensus. Not counted in ClinVar's aggregate classification.

Laboratory of Diagnostic Genome Analysis, Leiden University Medical Center (LUMC)
Classification: Likely benign. Review status: no assertion criteria provided. Collection method: clinical testing. Allele origin: germline. Affected: yes. Study: VKGL Data-share Consensus. Not counted in ClinVar's aggregate classification.